The following is an entry in ClinVar:

ClinVar aggregate classification (germline): Uncertain significance. Review status: criteria provided, multiple submitters, no conflicts (2 of 4 stars). 2 submissions from 2 submitters: Uncertain significance (2). Last evaluated 2025-12-04.

Conditions:
Hypertrophic cardiomyopathy. Also called: HYPERTROPHIC MYOCARDIOPATHY. Identifiers: Orphanet 217569, MedGen C0007194, MeSH D002312, MONDO:0005045, HP:0001639.

Allele frequency attached by ClinVar (database versions not stated): gnomAD 0.00003; ExAC 0.00002; TOPMed 0.00002.
gnomAD v4.1: 50 of 1,612,208 alleles (0.0031%); highest among the groups gnomAD compares: Non-Finnish European, 0.0042%; no homozygotes.

Submissions (2):

Ambry Genetics
Classification: Uncertain significance. Last evaluated: 2025-12-04. Review status: criteria provided, single submitter. Criteria: Ambry Variant Classification Scheme 2023. Collection method: clinical testing. Allele origin: germline.

Labcorp Genetics (formerly Invitae), Labcorp
Classification: Uncertain significance for Hypertrophic cardiomyopathy. Last evaluated: 2024-08-18. Review status: criteria provided, single submitter. Criteria: Invitae Variant Classification Sherloc (09022015). Collection method: clinical testing. Allele origin: germline.
Comment: This sequence change replaces valine, which is neutral and non-polar, with alanine, which is neutral and non-polar, at codon 1123 of the MYOM1 protein (p.Val1123Ala). This variant is present in population databases (rs753689470, gnomAD 0.005%). This variant has not been reported in the literature in individuals affected with MYOM1-related conditions. ClinVar contains an entry for this variant (Variation ID: 1730680). Invitae Evidence Modeling of protein sequence and biophysical properties (such as structural, functional, and spatial information, amino acid conservation, physicochemical variation, residue mobility, and thermodynamic stability) has been performed for this missense variant. However, the output from this modeling did not meet the statistical confidence thresholds required to predict the impact of this variant on MYOM1 protein function. In summary, the available evidence is currently insufficient to determine the role of this variant in disease. Therefore, it has been classified as a Variant of Uncertain Significance.

NM_003803.4(MYOM1):c.3368T>C (p.Val1123Ala)

Gene: MYOM1 (myomesin 1; minus strand). Cytogenetic location: 18p11.31.
Variant type: single nucleotide variant.
Coding change: c.3368T>C on transcript NM_003803.4 (MANE Select); coding-DNA position 3368, T replaced by C.
Protein change: p.Val1123Ala; replaces valine 1123 with alanine.
Molecular consequence: missense variant.
Genome position (GRCh38, 1-based): chr18:3,112,348, A>G on the plus strand (T>C on the coding strand, the complement: MYOM1 is on the minus strand). VCF-style: chr18-3112348-A-G. GRCh37 (hg19) VCF-style: chr18-3112346-A-G.
Other names: c.3080T>C, p.Val1027Ala (NM_019856.2); short protein forms V1123A, V1027A.
Identifiers: ClinVar variation 1730680 (VCV001730680.9), dbSNP rs753689470, ClinGen allele CA8874321.